The following is an entry in ClinVar:

ClinVar aggregate classification (germline): Uncertain significance. Review status: criteria provided, multiple submitters, no conflicts (2 of 4 stars). 3 submissions from 3 submitters: Uncertain significance (3). Last evaluated 2024-05-28.

Conditions:
Familial cancer of breast. Also called: BREAST CANCER, FAMILIAL; Hereditary breast cancer; hereditary breast carcinoma. Identifiers: Orphanet 227535, MedGen C0346153, MONDO:0016419, OMIM 114480. Disease mechanism: loss of function.
Hereditary cancer-predisposing syndrome. Also called: Tumor predisposition; Hereditary Cancer Syndrome; Neoplastic Syndromes, Hereditary; Hereditary neoplastic syndrome. Identifiers: Orphanet 140162, MedGen C0027672, MeSH D009386, MONDO:0015356.

Allele frequency attached by ClinVar (database versions not stated): gnomAD exomes below 0.00001.
gnomAD v4.1: 5 of 1,614,090 alleles (0.00031%); highest among the groups gnomAD compares: South Asian, 0.0011%; no homozygotes.

Submissions (3):

Ambry Genetics
Classification: Uncertain significance for Hereditary cancer-predisposing syndrome. Last evaluated: 2024-05-28. Review status: criteria provided, single submitter. Criteria: Ambry Variant Classification Scheme 2023. Collection method: clinical testing. Allele origin: germline.
Comment: The p.S357F variant (also known as c.1070C>T), located in coding exon 4 of the PALB2 gene, results from a C to T substitution at nucleotide position 1070. The serine at codon 357 is replaced by phenylalanine, an amino acid with highly dissimilar properties. This amino acid position is well conserved in available vertebrate species. In addition, this alteration is predicted to be tolerated by in silico analysis. Since supporting evidence is limited at this time, the clinical significance of this alteration remains unclear.

Color Diagnostics, LLC DBA Color Health
Classification: Uncertain significance for Hereditary cancer-predisposing syndrome. Last evaluated: 2023-12-04. Review status: criteria provided, single submitter. Criteria: ACMG Guidelines, 2015. Collection method: clinical testing. Allele origin: germline.
Comment: This missense variant replaces serine with phenylalanine at codon 357 of the PALB2 protein. Computational prediction suggests that this variant may not impact protein structure and function (internally defined REVEL score threshold <= 0.5, PMID: 27666373). To our knowledge, functional studies have not been reported for this variant. This variant has not been reported in individuals affected with PALB2-related disorders in the literature. This variant has not been identified in the general population by the Genome Aggregation Database (gnomAD). The available evidence is insufficient to determine the role of this variant in disease conclusively. Therefore, this variant is classified as a Variant of Uncertain Significance.

Labcorp Genetics (formerly Invitae), Labcorp
Classification: Uncertain significance for Familial cancer of breast. Last evaluated: 2023-07-09. Review status: criteria provided, single submitter. Criteria: Invitae Variant Classification Sherloc (09022015). Collection method: clinical testing. Allele origin: germline.
Comment: In summary, the available evidence is currently insufficient to determine the role of this variant in disease. Therefore, it has been classified as a Variant of Uncertain Significance. Advanced modeling of protein sequence and biophysical properties (such as structural, functional, and spatial information, amino acid conservation, physicochemical variation, residue mobility, and thermodynamic stability) performed at Invitae indicates that this missense variant is not expected to disrupt PALB2 protein function. ClinVar contains an entry for this variant (Variation ID: 822111). This variant has not been reported in the literature in individuals affected with PALB2-related conditions. This variant is not present in population databases (gnomAD no frequency). This sequence change replaces serine, which is neutral and polar, with phenylalanine, which is neutral and non-polar, at codon 357 of the PALB2 protein (p.Ser357Phe).

NM_024675.4(PALB2):c.1070C>T (p.Ser357Phe)

Gene: PALB2 (partner and localizer of BRCA2; minus strand). Cytogenetic location: 16p12.2.
Variant type: single nucleotide variant.
Coding change: c.1070C>T on transcript NM_024675.4 (MANE Select); coding-DNA position 1070, C replaced by T.
Protein change: p.Ser357Phe; replaces serine 357 with phenylalanine.
Molecular consequence: missense variant.
Genome position (GRCh38, 1-based): chr16:23,635,476, G>A on the plus strand (C>T on the coding strand, the complement: PALB2 is on the minus strand). VCF-style: chr16-23635476-G-A. GRCh37 (hg19) VCF-style: chr16-23646797-G-A.
Other names: short protein forms S357F.
Identifiers: ClinVar variation 822111 (VCV000822111.12), dbSNP rs1555461469, ClinGen allele CA395134001.